The following is an entry in ClinVar:

NM_001711.6(BGN):c.895C>G (p.Leu299Val)

Gene: BGN (biglycan; plus strand). Cytogenetic location: Xq28.
Variant type: single nucleotide variant.
Coding change: c.895C>G on transcript NM_001711.6 (MANE Select); coding-DNA position 895, C replaced by G.
Protein change: p.Leu299Val; replaces leucine 299 with valine.
Molecular consequence: missense variant.
Genome position (GRCh38, 1-based): chrX:153,507,171, C>G. VCF-style: chrX-153507171-C-G. GRCh37 (hg19) VCF-style: chrX-152772629-C-G.
Other names: c.895C>G (NM_001711.5); short protein forms L299V.
Identifiers: ClinVar variation 4206949 (VCV004206949.2).
Genomic context (GRCh38, chrX:153,507,171, plus strand): 5'-CTCCGGGAGCTCCACTTGGACAACAACAAGTTGGCCAGGGTGCCCTCAGGGCTCCCAGAC[C>G]TCAAGCTCCTCCAGGTGAGAGCTGGGCATGCACAGCCAGGTTCCCTAAGGCTGGGCTGGG-3'
Protein context (NP_001702.1, residues 289-309): LARVPSGLPD[Leu299Val]KLLQVVYLHS

ClinVar aggregate classification (germline): Uncertain significance. Review status: criteria provided, multiple submitters, no conflicts (2 of 4 stars). 2 submissions from 2 submitters: Uncertain significance (2). Last evaluated 2025-07-15.

Conditions:
Cardiovascular phenotype. Identifiers: MedGen CN230736.

Submissions (2):

Ambry Genetics
Classification: Uncertain significance for Cardiovascular phenotype. Last evaluated: 2025-07-15. Review status: criteria provided, single submitter. Criteria: Ambry Variant Classification Scheme 2023. Collection method: clinical testing. Allele origin: germline.

GeneDx
Classification: Uncertain significance. Last evaluated: 2024-02-21. Review status: criteria provided, single submitter. Criteria: GeneDx Variant Classification Process June 2021. Collection method: clinical testing. Allele origin: germline. Affected: yes.
Comment: Not observed at significant frequency in large population cohorts (gnomAD); In silico analysis supports that this missense variant does not alter protein structure/function; Has not been previously published as pathogenic or benign to our knowledge; Variants in candidate genes are classified as variants of uncertain significance in accordance with ACMG guidelines (PMID: 25741868)